The following is an entry in ClinVar:

NM_017534.6(MYH2):c.1078A>T (p.Met360Leu)

Genes: MYHAS (myosin heavy chain gene cluster antisense RNA; plus strand), MYH2 (myosin heavy chain 2; minus strand). Cytogenetic location: 17p13.1.
Variant type: single nucleotide variant.
Coding change: c.1078A>T on transcript NM_017534.6 (MANE Select); coding-DNA position 1078, A replaced by T.
Protein change: p.Met360Leu; replaces methionine 360 with leucine.
Molecular consequence: missense variant.
Genome position (GRCh38, 1-based): chr17:10,539,997, T>A on the plus strand (A>T on the coding strand, the complement: MYH2 is on the minus strand). VCF-style: chr17-10539997-T-A. GRCh37 (hg19) VCF-style: chr17-10443314-T-A.
Other names: c.1078A>T, p.Met360Leu (NM_001100112.2); c.1078A>T (NM_017534.5); short protein forms M360L.
Identifiers: ClinVar variation 1401309 (VCV001401309.9), dbSNP rs201434968, ClinGen allele CA287745464.

ClinVar aggregate classification (germline): Uncertain significance. Review status: criteria provided, multiple submitters, no conflicts (2 of 4 stars). 2 submissions from 2 submitters: Uncertain significance (2). Last evaluated 2025-05-20.

Conditions:
Inborn genetic diseases. Identifiers: MedGen C0950123, MeSH D030342.
Myopathy, proximal, and ophthalmoplegia (CMYO6). Also called: INCLUSION BODY MYOPATHY 3, AUTOSOMAL DOMINANT; CONGENITAL MYOPATHY 6 WITH OPHTHALMOPLEGIA; MYOPATHY WITH CONGENITAL JOINT CONTRACTURES, OPHTHALMOPLEGIA, AND RIMMED VACUOLES. Identifiers: Orphanet 363677, Orphanet 79091, MedGen C1854106, MONDO:0011577, OMIM 605637.

Allele frequency attached by ClinVar (database versions not stated): gnomAD exomes below 0.00001; TOPMed below 0.00001; gnomAD 0.00001; 1000 Genomes Project 30x 0.00016; 1000 Genomes Project 0.00020.
gnomAD v4.1: 2 of 1,614,082 alleles (0.00012%); highest among the groups gnomAD compares: Non-Finnish European, 0.000085%; no homozygotes.

Submissions (2):

Ambry Genetics
Classification: Uncertain significance for Inborn genetic diseases. Last evaluated: 2025-05-20. Review status: criteria provided, single submitter. Criteria: Ambry Variant Classification Scheme 2023. Collection method: clinical testing. Allele origin: germline.

Labcorp Genetics (formerly Invitae), Labcorp
Classification: Uncertain significance for Myopathy, proximal, and ophthalmoplegia. Last evaluated: 2021-06-30. Review status: criteria provided, single submitter. Criteria: Invitae Variant Classification Sherloc (09022015). Collection method: clinical testing. Allele origin: germline.
Comment: This sequence change replaces methionine with leucine at codon 360 of the MYH2 protein (p.Met360Leu). The methionine residue is highly conserved and there is a small physicochemical difference between methionine and leucine. This variant is not present in population databases (ExAC no frequency). This variant has not been reported in the literature in individuals affected with MYH2-related conditions. Algorithms developed to predict the effect of missense changes on protein structure and function are either unavailable or do not agree on the potential impact of this missense change (SIFT: "Deleterious"; PolyPhen-2: "Benign"; Align-GVGD: "Class C0"). In summary, the available evidence is currently insufficient to determine the role of this variant in disease. Therefore, it has been classified as a Variant of Uncertain Significance.